The following is an entry in ClinVar:

NM_152703.5(SAMD9L):c.2353G>T (p.Val785Phe)

Gene: SAMD9L (sterile alpha motif domain containing 9 like; minus strand). Cytogenetic location: 7q21.2.
Variant type: single nucleotide variant.
Coding change: c.2353G>T on transcript NM_152703.5 (MANE Select); coding-DNA position 2353, G replaced by T.
Protein change: p.Val785Phe; replaces valine 785 with phenylalanine.
Molecular consequence: missense variant.
Genome position (GRCh38, 1-based): chr7:93,133,619, C>A on the plus strand (G>T on the coding strand, the complement: SAMD9L is on the minus strand). VCF-style: chr7-93133619-C-A. GRCh37 (hg19) VCF-style: chr7-92762932-C-A.
Other names: c.2353G>T, p.Val785Phe (NM_001303496.3, NM_001303497.3, NM_001303498.3 and 5 more transcripts); short protein forms V785F.
Identifiers: ClinVar variation 5028964 (VCV005028964.1).
Genomic context (GRCh38, chr7:93,133,619, plus strand): 5'-AATCATCCACAAGGAGAAGCACAGGAATGTAATCCTGATGGCTCTTTGCCCTATAGGTGA[C>A]CAGATTGATCACTTGCTCTGCAATTTCTGCAAAATCAGTTGTCTTGTTTTTTAACACAGC-3'
Protein context (NP_689916.2, residues 775-795): AEIAEQVINL[Val785Phe]TYRAKSHQDY

ClinVar aggregate classification (germline): Uncertain significance (1 of 4 stars; one submission).

Conditions:
Inborn genetic diseases. Identifiers: MedGen C0950123, MeSH D030342.

Submission:

Ambry Genetics
Classification: Uncertain significance for Inborn genetic diseases. Last evaluated: 2026-08-22. Review status: criteria provided, single submitter. Criteria: Ambry Variant Classification Scheme 2023. Collection method: clinical testing. Allele origin: germline.
Comment: The p.V785F variant (also known as c.2353G>T), located in coding exon 1 of the SAMD9L gene, results from a G to T substitution at nucleotide position 2353. The valine at codon 785 is replaced by phenylalanine, an amino acid with highly similar properties. This amino acid position is conserved. In addition, this alteration is predicted to be tolerated by in silico analysis. Based on the available evidence, the clinical significance of this variant remains unclear.